The following is an entry in ClinVar:

NM_024642.5(GALNT12):c.851T>C (p.Val284Ala)

Gene: GALNT12 (polypeptide N-acetylgalactosaminyltransferase 12; plus strand). Cytogenetic location: 9q22.33.
Variant type: single nucleotide variant.
Coding change: c.851T>C on transcript NM_024642.5 (MANE Select); coding-DNA position 851, T replaced by C.
Protein change: p.Val284Ala; replaces valine 284 with alanine.
Molecular consequence: missense variant.
Genome position (GRCh38, 1-based): chr9:98,831,891, T>C. VCF-style: chr9-98831891-T-C. GRCh37 (hg19) VCF-style: chr9-101594173-T-C.
Other names: short protein forms V284A.
Identifiers: ClinVar variation 648207 (VCV000648207.13), dbSNP rs1588449987, ClinGen allele CA374218165.

ClinVar aggregate classification (germline): Uncertain significance. Review status: criteria provided, multiple submitters, no conflicts (2 of 4 stars). 2 submissions from 2 submitters: Uncertain significance (2). Last evaluated 2025-12-08.

Allele frequency attached by ClinVar (database versions not stated): gnomAD exomes below 0.00001.
gnomAD v4.1: 2 of 1,614,034 alleles (0.00012%); highest among the groups gnomAD compares: Non-Finnish European, 0.00017%; no homozygotes.

Submissions (2):

Ambry Genetics
Classification: Uncertain significance. Last evaluated: 2025-12-08. Review status: criteria provided, single submitter. Criteria: Ambry Variant Classification Scheme 2023. Collection method: clinical testing. Allele origin: germline.

Labcorp Genetics (formerly Invitae), Labcorp
Classification: Uncertain significance. Last evaluated: 2018-09-18. Review status: criteria provided, single submitter. Criteria: Invitae Variant Classification Sherloc (09022015). Collection method: clinical testing. Allele origin: germline.
Comment: This sequence change replaces valine with alanine at codon 284 of the GALNT12 protein (p.Val284Ala). The valine residue is highly conserved and there is a small physicochemical difference between valine and alanine. This variant is not present in population databases (ExAC no frequency). This variant has not been reported in the literature in individuals with GALNT12-related disease. Algorithms developed to predict the effect of missense changes on protein structure and function are either unavailable or do not agree on the potential impact of this missense change (SIFT: "Tolerated"; PolyPhen-2: "Probably Damaging"; Align-GVGD: "Class C0"). In summary, the available evidence is currently insufficient to determine the role of this variant in disease. Therefore, it has been classified as a Variant of Uncertain Significance.